The following is an entry in ClinVar:

NM_000784.4(CYP27A1):c.702del (p.Glu235fs)

Gene: CYP27A1 (cytochrome P450 family 27 subfamily A member 1; plus strand). Cytogenetic location: 2q35.
Variant type: Deletion.
Coding change: c.702del on transcript NM_000784.4 (MANE Select); coding-DNA position 702, one base deleted (C; older notation c.702delC).
Protein change: p.Glu235fs; shifts the reading frame from glutamic acid 235.
Molecular consequence: frameshift variant.
Genome position (GRCh38, 1-based): chr2:218,812,607, C deleted; the last of 4 consecutive C bases (chr2:218,812,604-218,812,607); deleting any one gives the same sequence. VCF-style (leftmost placement, unchanged base first): chr2-218812603-TC-T. GRCh37 (hg19) VCF-style: chr2-219677326-TC-T.
Other names: short protein forms E235fs.
Identifiers: ClinVar variation 1418362 (VCV001418362.6), dbSNP rs2105980153, ClinGen allele CA2573135312.

ClinVar aggregate classification (germline): Pathogenic (1 of 4 stars; one submission).

Conditions:
Cholestanol storage disease (CTX). Also called: Cerebrotendinous Xanthomatosis; CTX: Cerebrotendinous xanthomatosis; CEREBRAL CHOLESTERINOSIS. Identifiers: Orphanet 909, MedGen C0238052, MONDO:0008948, OMIM 213700.

Submission:

Labcorp Genetics (formerly Invitae), Labcorp
Classification: Pathogenic for Cholestanol storage disease. Last evaluated: 2021-06-06. Review status: criteria provided, single submitter. Criteria: Invitae Variant Classification Sherloc (09022015). Collection method: clinical testing. Allele origin: germline.
Comment: For these reasons, this variant has been classified as Pathogenic. This sequence change creates a premature translational stop signal (p.Glu235Argfs*4) in the CYP27A1 gene. It is expected to result in an absent or disrupted protein product. Loss-of-function variants in CYP27A1 are known to be pathogenic (PMID: 9392430, 10775536, 26937392). This variant is not present in population databases (ExAC no frequency). This variant has not been reported in the literature in individuals with CYP27A1-related conditions.

Literature cited by the submitters: PubMed 9392430; PubMed 10775536; PubMed 26937392.